The following is an entry in ClinVar:

ClinVar aggregate classification (germline): Uncertain significance (1 of 4 stars; one submission).

Conditions:
Diffuse cerebral and cerebellar atrophy - intractable seizures - progressive microcephaly syndrome. Also called: Microcephaly, progressive, with seizures and cerebral and cerebellar atrophy. Identifiers: Orphanet 404437, MedGen C4014239, MONDO:0014335, OMIM 615760.

gnomAD v4.1: 1 of 1,613,978 alleles (0.000062%); highest among the groups gnomAD compares: African/African-American, 0.0013%; no homozygotes.

Submission:

Labcorp Genetics (formerly Invitae), Labcorp
Classification: Uncertain significance for Diffuse cerebral and cerebellar atrophy - intractable seizures - progressive microcephaly syndrome. Last evaluated: 2022-07-02. Review status: criteria provided, single submitter. Criteria: Invitae Variant Classification Sherloc (09022015). Collection method: clinical testing. Allele origin: germline.
Comment: In summary, the available evidence is currently insufficient to determine the role of this variant in disease. Therefore, it has been classified as a Variant of Uncertain Significance. Algorithms developed to predict the effect of missense changes on protein structure and function are either unavailable or do not agree on the potential impact of this missense change (SIFT: "Deleterious"; PolyPhen-2: "Probably Damaging"; Align-GVGD: "Class C15"). This variant has not been reported in the literature in individuals affected with QARS-related conditions. This variant is not present in population databases (gnomAD no frequency). This sequence change replaces glycine, which is neutral and non-polar, with aspartic acid, which is acidic and polar, at codon 242 of the QARS protein (p.Gly242Asp).

NM_005051.3(QARS1):c.725G>A (p.Gly242Asp)

Gene: QARS1 (glutaminyl-tRNA synthetase 1; minus strand). Cytogenetic location: 3p21.31.
Variant type: single nucleotide variant.
Coding change: c.725G>A on transcript NM_005051.3 (MANE Select); coding-DNA position 725, G replaced by A.
Protein change: p.Gly242Asp; replaces glycine 242 with aspartic acid.
Molecular consequence: missense variant. On other transcripts: non-coding transcript variant (1).
Genome position (GRCh38, 1-based): chr3:49,101,684, C>T on the plus strand (G>A on the coding strand, the complement: QARS1 is on the minus strand). VCF-style: chr3-49101684-C-T. GRCh37 (hg19) VCF-style: chr3-49139117-C-T.
Other names: c.692G>A, p.Gly231Asp (NM_001272073.2); short protein forms G242D, G231D.
Identifiers: ClinVar variation 1937223 (VCV001937223.3), dbSNP rs1451089279, ClinGen allele CA352714768.